The following is an entry in ClinVar:

NM_001184.4(ATR):c.4720dup (p.Cys1574fs)

Gene: ATR (ATR checkpoint kinase; minus strand). Cytogenetic location: 3q23.
Variant type: Duplication.
Coding change: c.4720dup on transcript NM_001184.4 (MANE Select); coding-DNA position 4720, one base duplicated (T; older notation c.4720dupT).
Protein change: p.Cys1574fs; shifts the reading frame from cysteine 1574.
Molecular consequence: frameshift variant.
Genome position (GRCh38, 1-based): chr3:142,512,392, A duplicated on the plus strand (T on the coding strand, the reverse complement: ATR is on the minus strand). VCF-style (leftmost placement, unchanged base first): chr3-142512391-C-CA. GRCh37 (hg19) VCF-style: chr3-142231233-C-CA.
Other names: c.4528dup, p.Cys1510fs (NM_001354579.2); short protein forms C1510fs, C1574fs.
Identifiers: ClinVar variation 4723010 (VCV004723010.1).

ClinVar aggregate classification (germline): Pathogenic (1 of 4 stars; one submission).

Submission:

Labcorp Genetics (formerly Invitae), Labcorp
Classification: Pathogenic. Last evaluated: 2025-07-10. Review status: criteria provided, single submitter. Criteria: Invitae Variant Classification Sherloc (09022015). Collection method: clinical testing. Allele origin: germline.
Comment: This sequence change creates a premature translational stop signal (p.Cys1574Leufs*13) in the ATR gene. It is expected to result in an absent or disrupted protein product. Loss-of-function variants in ATR are known to be pathogenic (PMID: 21228398, 23144622). This variant is not present in population databases (gnomAD no frequency). This variant has not been reported in the literature in individuals affected with ATR-related conditions. Algorithms developed to predict the effect of sequence changes on RNA splicing suggest that this variant may disrupt the consensus splice site. For these reasons, this variant has been classified as Pathogenic.

Literature cited by the submitters: PubMed 21228398; PubMed 23144622.